The following is an entry in ClinVar:

NM_000937.5(POLR2A):c.164G>C (p.Gly55Ala)

Gene: POLR2A (RNA polymerase II subunit A; plus strand). Cytogenetic location: 17p13.1.
Variant type: single nucleotide variant.
Coding change: c.164G>C on transcript NM_000937.5 (MANE Select); coding-DNA position 164, G replaced by C.
Protein change: p.Gly55Ala; replaces glycine 55 with alanine.
Molecular consequence: missense variant.
Genome position (GRCh38, 1-based): chr17:7,496,011, G>C. VCF-style: chr17-7496011-G-C. GRCh37 (hg19) VCF-style: chr17-7399330-G-C.
Other names: short protein forms G55A.
Identifiers: ClinVar variation 2576723 (VCV002576723.2), dbSNP rs1567700702, ClinGen allele CA397853335.

ClinVar aggregate classification (germline): Uncertain significance (1 of 4 stars; one submission).

Submission:

GeneDx
Classification: Uncertain significance. Last evaluated: 2025-11-26. Review status: criteria provided, single submitter. Criteria: GeneDx Variant Classification Process June 2021. Collection method: clinical testing. Allele origin: germline.
Comment: Not observed at significant frequency in large population cohorts (gnomAD); In silico analysis supports that this missense variant has a deleterious effect on protein structure/function; Has not been previously published as pathogenic or benign to our knowledge